The following is an entry in ClinVar:

ClinVar aggregate classification (germline): Pathogenic. Review status: criteria provided, multiple submitters, no conflicts (2 of 4 stars). 4 submissions from 4 submitters: Pathogenic (4). Last evaluated 2026-09-24.

Conditions:
T-B+ severe combined immunodeficiency due to JAK3 deficiency. Also called: SCID, T CELL-NEGATIVE, B CELL-POSITIVE, NK CELL-NEGATIVE; SCID, autosomal recessive, T-negative/B-positive type. Identifiers: Orphanet 35078, MedGen C1833275, MONDO:0010938, OMIM 600802.
JAK3-related disorder. Also called: JAK3-related condition.

Submissions (4):

PreventionGenetics, part of Exact Sciences
Classification: Pathogenic for JAK3-related condition. Last evaluated: 2026-09-24. Review status: criteria provided, single submitter. Criteria: ACMG Guidelines, 2015. Collection method: clinical testing. Allele origin: germline.
Comment: The JAK3 c.115delC variant is predicted to result in a frameshift and premature protein termination (p.Gln39Serfs*108). This variant has been reported in the compound heterozygous state in an individual with clinical features suggestive of severe combined immune deficiency (Vignesh et al. 2020. PubMed ID: 33628209) and along with a second JAK3 variant in an individual with recurrent pneumonia and suspected HPV infection (Do Carmo et al. 2025. PubMed ID: 40488587). This variant is reported in 0.0071% of alleles in individuals of African descent in gnomAD and is interpreted as pathogenic in ClinVar (Variation ID: 649414). Frameshift variants in JAK3 are expected to be pathogenic. This variant is interpreted as pathogenic.

Fulgent Genetics
Classification: Pathogenic for T-B+ severe combined immunodeficiency due to JAK3 deficiency. Last evaluated: 2024-03-07. Review status: criteria provided, single submitter. Criteria: ACMG Guidelines, 2015. Collection method: clinical testing. Allele origin: germline.

Labcorp Genetics (formerly Invitae), Labcorp
Classification: Pathogenic for T-B+ severe combined immunodeficiency due to JAK3 deficiency. Last evaluated: 2023-01-13. Review status: criteria provided, single submitter. Criteria: Invitae Variant Classification Sherloc (09022015). Collection method: clinical testing. Allele origin: germline.
Comment: This sequence change creates a premature translational stop signal (p.Gln39Serfs*108) in the JAK3 gene. It is expected to result in an absent or disrupted protein product. Loss-of-function variants in JAK3 are known to be pathogenic (PMID: 7481768, 11668621). The frequency data for this variant in the population databases is considered unreliable, as metrics indicate poor data quality at this position in the gnomAD database. This premature translational stop signal has been observed in individual(s) with severe combined immunodeficiency (Invitae). It has also been observed to segregate with disease in related individuals. ClinVar contains an entry for this variant (Variation ID: 649414). For these reasons, this variant has been classified as Pathogenic.

GeneDx
Classification: Pathogenic. Last evaluated: 2019-03-11. Review status: criteria provided, single submitter. Criteria: GeneDx Variant Classification (06012015). Collection method: clinical testing. Allele origin: germline. Affected: yes.
Comment: The c.115delC variant has not been published as a pathogenic variant, nor has it been reported as a benign variant to our knowledge. The variant is observed in 1/14100 (0.0071%) alleles from individuals of African background in large population cohorts (Lek et al., 2016). It causes a frameshift starting with codon Glutamine 39, changes this amino acid to a Serine residue and creates a premature Stop codon at position 108 of the new reading frame, denoted p.Gln39SerfsX108. This variant is predicted to cause loss of normal protein function either through protein truncation or nonsense-mediated mRNA decay. We interpret this variant as pathogenic.

Literature cited by the submitters: PubMed 7481768 (cited by Labcorp Genetics (formerly Invitae), Labcorp); PubMed 11668621 (cited by Labcorp Genetics (formerly Invitae), Labcorp).

NM_000215.4(JAK3):c.115del (p.Gln39fs)

Gene: JAK3 (Janus kinase 3; minus strand). Cytogenetic location: 19p13.11.
Variant type: Deletion.
Coding change: c.115del on transcript NM_000215.4 (MANE Select); coding-DNA position 115, one base deleted (C; older notation c.115delC).
Protein change: p.Gln39fs; shifts the reading frame from glutamine 39.
Molecular consequence: frameshift variant.
Genome position (GRCh38, 1-based): chr19:17,844,303, G deleted on the plus strand (C on the coding strand, the reverse complement: JAK3 is on the minus strand); the first of 7 consecutive G bases (chr19:17,844,303-17,844,309); deleting any one gives the same sequence. VCF-style (leftmost placement, unchanged base first): chr19-17844302-TG-T. GRCh37 (hg19) VCF-style: chr19-17955111-TG-T.
Other names: c.115delC (NM_000215.3); short protein forms Q39fs.
Identifiers: ClinVar variation 649414 (VCV000649414.12), dbSNP rs755706305, ClinGen allele CA506005174.